The following is an entry in ClinVar:

NM_006904.7(PRKDC):c.4213G>A (p.Ala1405Thr)

Gene: PRKDC (protein kinase, DNA-activated, catalytic subunit; minus strand). Cytogenetic location: 8q11.21.
Variant type: single nucleotide variant.
Coding change: c.4213G>A on transcript NM_006904.7 (MANE Select); coding-DNA position 4213, G replaced by A.
Protein change: p.Ala1405Thr; replaces alanine 1405 with threonine.
Molecular consequence: missense variant.
Genome position (GRCh38, 1-based): chr8:47,889,081, C>T on the plus strand (G>A on the coding strand, the complement: PRKDC is on the minus strand). VCF-style: chr8-47889081-C-T. GRCh37 (hg19) VCF-style: chr8-48801642-C-T.
Other names: c.4213G>A, p.Ala1405Thr (NM_001081640.2); short protein forms A1405T.
Identifiers: ClinVar variation 1503415 (VCV001503415.6), dbSNP rs1646937911, ClinGen allele CA371146409.
Genomic context (GRCh38, chr8:47,889,081, plus strand): 5'-CTGTTATTTTCTCTCTCAGATGGGTCTCTAGGATATCTTTGTATGGGGACATCTTTAGAG[C>T]TTTCATCAGATTCACACAAACATCAGGAAGATGAGCCATAACCTGGACGTCTCCGATGTT-3'
Protein context (NP_008835.5, residues 1395-1415): LPDVCVNLMK[Ala1405Thr]LKMSPYKDIL

ClinVar aggregate classification (germline): Uncertain significance (1 of 4 stars; one submission).

Conditions:
Severe combined immunodeficiency due to DNA-PKcs deficiency. Also called: Immunodeficiency 26 with or without neurologic abnormalities; IMMUNODEFICIENCY 26 WITH NEUROLOGIC ABNORMALITIES. Identifiers: Orphanet 317425, MedGen C4014833, MONDO:0014423, OMIM 615966.

Allele frequency attached by ClinVar (database versions not stated): TOPMed below 0.00001.

Submission:

Labcorp Genetics (formerly Invitae), Labcorp
Classification: Uncertain significance for Severe combined immunodeficiency due to DNA-PKcs deficiency. Last evaluated: 2022-08-31. Review status: criteria provided, single submitter. Criteria: Invitae Variant Classification Sherloc (09022015). Collection method: clinical testing. Allele origin: germline.
Comment: This variant is not present in population databases (gnomAD no frequency). This sequence change replaces alanine, which is neutral and non-polar, with threonine, which is neutral and polar, at codon 1405 of the PRKDC protein (p.Ala1405Thr). In summary, the available evidence is currently insufficient to determine the role of this variant in disease. Therefore, it has been classified as a Variant of Uncertain Significance. Experimental studies and prediction algorithms are not available or were not evaluated, and the functional significance of this variant is currently unknown. ClinVar contains an entry for this variant (Variation ID: 1503415). This variant has not been reported in the literature in individuals affected with PRKDC-related conditions.